The following is an entry in ClinVar:

NM_000548.5(TSC2):c.5160+4A>G

Gene: TSC2 (TSC complex subunit 2; plus strand). Cytogenetic location: 16p13.3.
Variant type: single nucleotide variant.
Coding change: c.5160+4A>G on transcript NM_000548.5 (MANE Select); 4 bases into the intron after coding-DNA position 5160, A replaced by G.
Molecular consequence: intron variant.
Genome position (GRCh38, 1-based): chr16:2,088,143, A>G. VCF-style: chr16-2088143-A-G. GRCh37 (hg19) VCF-style: chr16-2138144-A-G.
Other names: c.5091+4A>G (NM_001114382.3); c.5031+4A>G (NM_021055.3, NM_001370405.1); c.4962+4A>G (NM_001363528.2); c.5028+4A>G (NM_001370404.1); c.4959+4A>G (NM_001077183.3); c.4851+4A>G (NM_001318827.2); c.4428+4A>G (NM_001318831.2); c.4815+4A>G (NM_001318829.2); and 1 more.
Identifiers: ClinVar variation 49428 (VCV000049428.3), dbSNP rs45517403, ClinGen allele CA021959.

ClinVar aggregate classification (germline): Uncertain significance. Review status: criteria provided, single submitter (1 of 4 stars). 2 submissions from 2 submitters: Uncertain significance (1). 1 of the submissions does not count toward it. Last evaluated 2024-12-19.

Conditions:
Tuberous sclerosis 2 (TSC2). Identifiers: Orphanet 805, MedGen C1860707, MONDO:0013199, OMIM 613254.
Tuberous sclerosis syndrome (TSC). Also called: Tuberous Sclerosis Complex; Tuberous sclerosis. Identifiers: Orphanet 805, MedGen C0041341, MONDO:0001734.

Submissions (2):

3billion
Classification: Uncertain significance for Tuberous sclerosis 2. Last evaluated: 2024-12-19. Review status: criteria provided, single submitter. Criteria: ACMG Guidelines, 2015. Collection method: clinical testing. Allele origin: germline. Affected: yes.
Comment: The variant is not observed in the gnomAD v4.1.0 dataset. Predicted Consequence/Location: Intron variant In silico tools predict the variant to alter splicing and produce an abnormal transcript [SpliceAI: 0.38 (>=0.2, moderate evidence for spliceogenicity)]. The variant has been previously reported as assumed (i.e. paternity and maternity not confirmed) de novo in at least one similarly affected unrelated individual (PMID: 15712319). Therefore, this variant is classified as VUS according to the recommendation of ACMG/AMP guideline.

Tuberous sclerosis database (TSC2)
No classification provided. Condition: TSC. Review status: no classification provided. Criteria: Tuberous Sclerosis Database Assertion Criteria 2015. Collection method: curation. Allele origin: germline. Affected: yes. Not counted in ClinVar's aggregate classification.